The following is an entry in ClinVar:

NM_004565.3(PEX14):c.577G>A (p.Ala193Thr)

Genes: PEX14 (peroxisomal biogenesis factor 14; plus strand), LOC126805616 (CDK7 strongly-dependent group 2 enhancer GRCh37_chr1:10683990-10685189; plus strand). Cytogenetic location: 1p36.22.
Variant type: single nucleotide variant.
Coding change: c.577G>A on transcript NM_004565.3 (MANE Select); coding-DNA position 577, G replaced by A.
Protein change: p.Ala193Thr; replaces alanine 193 with threonine.
Molecular consequence: missense variant.
Genome position (GRCh38, 1-based): chr1:10,624,429, G>A. VCF-style: chr1-10624429-G-A. GRCh37 (hg19) VCF-style: chr1-10684486-G-A.
Other names: p.Ala193Thr; short protein forms A193T.
Identifiers: ClinVar variation 935142 (VCV000935142.9), dbSNP rs369625174, ClinGen allele CA583892.

ClinVar aggregate classification (germline): Uncertain significance. Review status: criteria provided, multiple submitters, no conflicts (2 of 4 stars). 4 submissions from 4 submitters: Uncertain significance (4). Last evaluated 2026-07-10.

Conditions:
Peroxisome biogenesis disorder, complementation group K (CGK). Identifiers: MedGen C1866257, MONDO:0800365.
PEX14-related disorder. Also called: PEX14-related condition.

Allele frequency attached by ClinVar (database versions not stated): gnomAD exomes 0.00005; TOPMed 0.00005; ExAC 0.00006; gnomAD 0.00006; ESP Exome Variant Server 0.00008.
gnomAD v4.1: 78 of 1,606,638 alleles (0.0049%); highest among the groups gnomAD compares: Non-Finnish European, 0.006%; no homozygotes.

Submissions (4):

PreventionGenetics, part of Exact Sciences
Classification: Uncertain significance for PEX14-related condition. Last evaluated: 2026-07-10. Review status: criteria provided, single submitter. Criteria: ACMG Guidelines, 2015. Collection method: clinical testing. Allele origin: germline.
Comment: The PEX14 c.577G>A variant is predicted to result in the amino acid substitution p.Ala193Thr. To our knowledge, this variant has not been reported in the literature. This variant is reported in 0.011% of alleles in individuals of European (Non-Finnish) descent in gnomAD. At this time, the clinical significance of this variant is uncertain due to the absence of conclusive functional and genetic evidence.

Blueprint Genetics
Classification: Uncertain significance. Last evaluated: 2024-06-27. Review status: criteria provided, single submitter. Criteria: ACMG Guidelines, 2015. Collection method: clinical testing. Allele origin: germline.

Labcorp Genetics (formerly Invitae), Labcorp
Classification: Uncertain significance for Peroxisome biogenesis disorder, complementation group K. Last evaluated: 2023-07-26. Review status: criteria provided, single submitter. Criteria: Invitae Variant Classification Sherloc (09022015). Collection method: clinical testing. Allele origin: germline.
Comment: In summary, the available evidence is currently insufficient to determine the role of this variant in disease. Therefore, it has been classified as a Variant of Uncertain Significance. Advanced modeling of protein sequence and biophysical properties (such as structural, functional, and spatial information, amino acid conservation, physicochemical variation, residue mobility, and thermodynamic stability) performed at Invitae indicates that this missense variant is not expected to disrupt PEX14 protein function. ClinVar contains an entry for this variant (Variation ID: 935142). This variant has not been reported in the literature in individuals affected with PEX14-related conditions. This variant is present in population databases (rs369625174, gnomAD 0.01%). This sequence change replaces alanine, which is neutral and non-polar, with threonine, which is neutral and polar, at codon 193 of the PEX14 protein (p.Ala193Thr).

Mayo Clinic Laboratories, Mayo Clinic
Classification: Uncertain significance. Last evaluated: 2023-04-18. Review status: criteria provided, single submitter. Criteria: ACMG Guidelines, 2015. Collection method: clinical testing. Allele origin: germline. Observed: 1 variant allele.
Comment: BP4